The following is an entry in ClinVar:

NM_002662.5(PLD1):c.674T>G (p.Met225Arg)

Gene: PLD1 (phospholipase D1; minus strand). Cytogenetic location: 3q26.31.
Variant type: single nucleotide variant.
Coding change: c.674T>G on transcript NM_002662.5 (MANE Select); coding-DNA position 674, T replaced by G.
Protein change: p.Met225Arg; replaces methionine 225 with arginine.
Molecular consequence: missense variant.
Genome position (GRCh38, 1-based): chr3:171,724,780, A>C on the plus strand (T>G on the coding strand, the complement: PLD1 is on the minus strand). VCF-style: chr3-171724780-A-C. GRCh37 (hg19) VCF-style: chr3-171442570-A-C.
Other names: c.674T>G, p.Met225Arg (NM_001130081.3); short protein forms M225R.
Identifiers: ClinVar variation 4781334 (VCV004781334.1).

ClinVar aggregate classification (germline): Uncertain significance (1 of 4 stars; one submission).

Submission:

Labcorp Genetics (formerly Invitae), Labcorp
Classification: Uncertain significance. Last evaluated: 2025-08-22. Review status: criteria provided, single submitter. Criteria: Invitae Variant Classification Sherloc (09022015). Collection method: clinical testing. Allele origin: germline.
Comment: This sequence change replaces methionine, which is neutral and non-polar, with arginine, which is basic and polar, at codon 225 of the PLD1 protein (p.Met225Arg). This variant is not present in population databases (gnomAD no frequency). This variant has not been reported in the literature in individuals affected with PLD1-related conditions. Invitae Evidence Modeling of protein sequence and biophysical properties (such as structural, functional, and spatial information, amino acid conservation, physicochemical variation, residue mobility, and thermodynamic stability) indicates that this missense variant is not expected to disrupt PLD1 protein function with a negative predictive value of 80%. In summary, the available evidence is currently insufficient to determine the role of this variant in disease. Therefore, it has been classified as a Variant of Uncertain Significance.